The following is an entry in ClinVar:

NM_001040108.2(MLH3):c.2738G>C (p.Ser913Thr)

Gene: MLH3 (mutL homolog 3; minus strand). Cytogenetic location: 14q24.3.
Variant type: single nucleotide variant.
Coding change: c.2738G>C on transcript NM_001040108.2 (MANE Select); coding-DNA position 2738, G replaced by C.
Protein change: p.Ser913Thr; replaces serine 913 with threonine.
Molecular consequence: missense variant.
Genome position (GRCh38, 1-based): chr14:75,046,918, C>G on the plus strand (G>C on the coding strand, the complement: MLH3 is on the minus strand). VCF-style: chr14-75046918-C-G. GRCh37 (hg19) VCF-style: chr14-75513621-C-G.
Other names: c.2738G>C, p.Ser913Thr (NM_014381.3); short protein forms S913T.
Identifiers: ClinVar variation 3295107 (VCV003295107.1).

ClinVar aggregate classification (germline): Uncertain significance (1 of 4 stars; one submission).

Submission:

Ambry Genetics
Classification: Uncertain significance. Last evaluated: 2024-04-15. Review status: criteria provided, single submitter. Criteria: Ambry Variant Classification Scheme 2023. Collection method: clinical testing. Allele origin: germline.
Comment: The p.S913T variant (also known as c.2738G>C), located in coding exon 1 of the MLH3 gene, results from a G to C substitution at nucleotide position 2738. The serine at codon 913 is replaced by threonine, an amino acid with similar properties. This amino acid position is conserved. In addition, this alteration is predicted to be tolerated by in silico analysis. Based on the available evidence, the clinical significance of this variant remains unclear.